The following is an entry in ClinVar:

NM_001128159.3(VPS53):c.1089C>T (p.Ser363=)

Gene: VPS53 (VPS53 subunit of GARP complex; minus strand). Cytogenetic location: 17p13.3.
Variant type: single nucleotide variant.
Coding change: c.1089C>T on transcript NM_001128159.3 (MANE Select); coding-DNA position 1089, C replaced by T.
Protein change: p.Ser363=; no amino-acid change (serine 363 retained).
Molecular consequence: synonymous variant.
Genome position (GRCh38, 1-based): chr17:623,560, G>A on the plus strand (C>T on the coding strand, the complement: VPS53 is on the minus strand). VCF-style: chr17-623560-G-A. GRCh37 (hg19) VCF-style: chr17-526800-G-A.
Other names: c.1089C>T, p.Ser363= (NM_001366253.2); c.495C>T, p.Ser165= (NM_001366254.2); c.1002C>T, p.Ser334= (NM_018289.4).
Identifiers: ClinVar variation 385063 (VCV000385063.14), dbSNP rs61099969, ClinGen allele CA8261567.

ClinVar aggregate classification (germline): Benign. Review status: criteria provided, multiple submitters, no conflicts (2 of 4 stars). 4 submissions from 4 submitters: Benign (3). 1 of the submissions does not count toward it. Last evaluated 2026-01-31.

Conditions:
VPS53-related disorder. Also called: VPS53-related condition.

Allele frequency attached by ClinVar (database versions not stated): gnomAD exomes 0.00220 and 0.00385; ExAC 0.00455; gnomAD 0.01368 and 0.01457; 1000 Genomes Project 0.01498; TOPMed 0.01523; ESP Exome Variant Server 0.01715; 1000 Genomes Project 30x 0.01796.
gnomAD v4.1: 5,424 of 1,613,462 alleles (0.34%); highest among the groups gnomAD compares: African/African-American, 4.5%; 92 homozygotes.

Submissions (4):

Labcorp Genetics (formerly Invitae), Labcorp
Classification: Benign. Last evaluated: 2026-01-31. Review status: criteria provided, single submitter. Criteria: Invitae Variant Classification Sherloc (09022015). Collection method: clinical testing. Allele origin: germline.

GeneDx
Classification: Benign. Last evaluated: 2016-09-22. Review status: criteria provided, single submitter. Criteria: GeneDx Variant Classification (06012015). Collection method: clinical testing. Allele origin: germline. Affected: yes.
Comment: This variant is considered likely benign or benign based on one or more of the following criteria: it is a conservative change, it occurs at a poorly conserved position in the protein, it is predicted to be benign by multiple in silico algorithms, and/or has population frequency not consistent with disease.

Breakthrough Genomics
Classification: Benign. Review status: criteria provided, single submitter. Criteria: ACMG Guidelines, 2015. Collection method: not provided. Allele origin: germline. Inheritance: Autosomal recessive inheritance. Affected: yes.

PreventionGenetics, part of Exact Sciences
Classification: Benign for VPS53-related condition. Last evaluated: 2019-03-08. Review status: no assertion criteria provided. Collection method: clinical testing. Allele origin: germline. Not counted in ClinVar's aggregate classification.
Comment: This variant is classified as benign based on ACMG/AMP sequence variant interpretation guidelines (Richards et al. 2015 PMID: 25741868, with internal and published modifications).